The following is an entry in ClinVar:

NM_002693.3(POLG):c.1251-20T>C

Gene: POLG (DNA polymerase gamma, catalytic subunit; minus strand). Cytogenetic location: 15q26.1.
Variant type: single nucleotide variant.
Coding change: c.1251-20T>C on transcript NM_002693.3 (MANE Select); 20 bases into the intron before coding-DNA position 1251, T replaced by C.
Molecular consequence: intron variant.
Genome position (GRCh38, 1-based): chr15:89,327,369, A>G on the plus strand (T>C on the coding strand, the complement: POLG is on the minus strand). VCF-style: chr15-89327369-A-G. GRCh37 (hg19) VCF-style: chr15-89870600-A-G.
Other names: c.1251-20T>C (NM_001126131.2).
Identifiers: ClinVar variation 682555 (VCV000682555.9), dbSNP rs769062935, ClinGen allele CA7724897.

ClinVar aggregate classification (germline): Likely benign. Review status: criteria provided, multiple submitters, no conflicts (2 of 4 stars). 2 submissions from 2 submitters: Likely benign (2). Last evaluated 2025-12-31.

Conditions:
Progressive sclerosing poliodystrophy (MTDPS4A). Also called: ALPERS PROGRESSIVE INFANTILE POLIODYSTROPHY; ALPERS DIFFUSE DEGENERATION OF CEREBRAL GRAY MATTER WITH HEPATIC CIRRHOSIS; Alpers-Huttenlocher Syndrome; Mitochondrial DNA depletion syndrome 4A (Alpers type); Alpers-Huttenlocher Syndrome (AHS); NEURONAL DEGENERATION OF CHILDHOOD WITH LIVER DISEASE, PROGRESSIVE. Identifiers: Orphanet 726, MedGen C0205710, MONDO:0008758, OMIM 203700.

Allele frequency attached by ClinVar (database versions not stated): gnomAD below 0.00001 and 0.00001; gnomAD exomes 0.00005 and 0.00007; ExAC 0.00008.
gnomAD v4.1: 69 of 1,609,952 alleles (0.0043%); highest among the groups gnomAD compares: South Asian, 0.074%; 1 homozygote.

Submissions (2):

Labcorp Genetics (formerly Invitae), Labcorp
Classification: Likely benign for Progressive sclerosing poliodystrophy. Last evaluated: 2025-12-31. Review status: criteria provided, single submitter. Criteria: Invitae Variant Classification Sherloc (09022015). Collection method: clinical testing. Allele origin: germline.

GeneDx
Classification: Likely benign. Last evaluated: 2018-05-18. Review status: criteria provided, single submitter. Criteria: GeneDx Variant Classification (06012015). Collection method: clinical testing. Allele origin: germline. Affected: yes.
Comment: This variant is considered likely benign or benign based on one or more of the following criteria: it is a conservative change, it occurs at a poorly conserved position in the protein, it is predicted to be benign by multiple in silico algorithms, and/or has population frequency not consistent with disease.